The following is an entry in ClinVar:

ClinVar aggregate classification (germline): Pathogenic (1 of 4 stars; one submission).

Conditions:
Familial adenomatous polyposis 4 (FAP4). Also called: MSH3-related attenuated familial adenomatous polyposis. Identifiers: Orphanet 480536, MedGen C4310719, MONDO:0044300, OMIM 617100.

Allele frequency attached by ClinVar (database versions not stated): gnomAD exomes below 0.00001.
gnomAD v4.1: 1 of 1,607,526 alleles (0.000062%); no homozygotes.

Submission:

Myriad Genetics, Inc.
Classification: Pathogenic for Familial adenomatous polyposis 4. Last evaluated: 2023-04-26. Review status: criteria provided, single submitter. Criteria: Myriad Autosomal Dominant, Autosomal Recessive and X-Linked Classification Criteria (2023). Collection method: clinical testing. Allele origin: unknown.
Comment: This variant is considered pathogenic. This variant creates a termination codon and is predicted to result in premature protein truncation.

NM_002439.5(MSH3):c.2554C>T (p.Gln852Ter)

Gene: MSH3 (mutS homolog 3; plus strand). Cytogenetic location: 5q14.1.
Variant type: single nucleotide variant.
Coding change: c.2554C>T on transcript NM_002439.5 (MANE Select); coding-DNA position 2554, C replaced by T.
Protein change: p.Gln852Ter; replaces glutamine 852 with a stop codon.
Molecular consequence: nonsense.
Genome position (GRCh38, 1-based): chr5:80,792,743, C>T. VCF-style: chr5-80792743-C-T. GRCh37 (hg19) VCF-style: chr5-80088562-C-T.
Other names: short protein forms Q852*.
Identifiers: ClinVar variation 2583802 (VCV002583802.2), dbSNP rs2546786711, ClinGen allele CA360272845.